The following is an entry in ClinVar:

NM_000138.5(FBN1):c.229G>A (p.Gly77Arg)

Gene: FBN1 (fibrillin 1; minus strand). Cytogenetic location: 15q21.1.
Variant type: single nucleotide variant.
Coding change: c.229G>A on transcript NM_000138.5 (MANE Select); coding-DNA position 229, G replaced by A.
Protein change: p.Gly77Arg; replaces glycine 77 with arginine.
Molecular consequence: missense variant.
Genome position (GRCh38, 1-based): chr15:48,613,028, C>T on the plus strand (G>A on the coding strand, the complement: FBN1 is on the minus strand). VCF-style: chr15-48613028-C-T. GRCh37 (hg19) VCF-style: chr15-48905225-C-T.
Other names: p.G77R:GGA>AGA; short protein forms G77R.
Identifiers: ClinVar variation 200140 (VCV000200140.25), dbSNP rs794728290, ClinGen allele CA012938.
Genomic context (GRCh38, chr15:48,613,028, plus strand): 5'-AAAAGAAGGACATGCAGAATGACAAGTTTTCTATTTACTTACGGACAATACACTGATTTC[C>T]GCCAGGTAAGGTTTTCCATCCAGGGCAACAGTAAGCATTATAACGTGATCCACAGACATT-3'
Protein context (NP_000129.3, residues 67-87): CCPGWKTLPG[Gly77Arg]NQCIVPICRH

ClinVar aggregate classification (germline): Conflicting classifications of pathogenicity. Review status: criteria provided, conflicting classifications (1 of 4 stars). 7 submissions from 7 submitters: Likely pathogenic (2); Uncertain significance (5). Last evaluated 2026-06-16.

Conditions:
Ectopia lentis 1, isolated, autosomal dominant (ECTOL1). Identifiers: Orphanet 1885, MedGen C3541518, MONDO:0007514, OMIM 129600.
Marfan syndrome (MFS). Also called: MARFAN SYNDROME, TYPE I; FBN1-Related Marfan Syndrome; Marfan syndrome, classic; Marfan syndrome type 1; Marfan's syndrome. Identifiers: Orphanet 284963, Orphanet 558, MedGen C0024796, MONDO:0007947, OMIM 154700.
Acromicric dysplasia (ACMICD). Also called: Acromicric skeletal dysplasia. Identifiers: Orphanet 969, MedGen C0265287, MONDO:0007055, OMIM 102370.
Familial thoracic aortic aneurysm and aortic dissection (TAAD). Also called: Thoracic aortic aneurysms and dissections. Identifiers: Orphanet 91387, MedGen C4707243, MONDO:0019625.
Geleophysic dysplasia 2 (GPHYSD2). Identifiers: Orphanet 2623, MedGen C3280054, MONDO:0013612, OMIM 614185.
MASS syndrome (OCTD). Also called: OVERLAP CONNECTIVE TISSUE DISEASE; MASS PHENOTYPE. Identifiers: MedGen C1858556, MONDO:0011431, OMIM 604308.
Stiff skin syndrome (SSKS). Identifiers: Orphanet 2833, MedGen C1861456, MONDO:0008492, OMIM 184900.
Weill-Marchesani syndrome 2, dominant. Also called: FBN1-Related Weill-Marchesani Syndrome; Weill-Marchesani Syndrome, Autosomal Dominant. Identifiers: Orphanet 2084, MedGen C1869115, MONDO:0012013, OMIM 608328.
Progeroid and marfanoid aspect-lipodystrophy syndrome. Also called: MARFANOID-PROGEROID-LIPODYSTROPHY SYNDROME; MARFANOID-PROGEROID SYNDROME; MARFAN-PROGEROID-LIPODYSTROPHY SYNDROME; Marfan lipodystrophy syndrome. Identifiers: Orphanet 300382, MedGen C4310796, MONDO:0014831, OMIM 616914.
FBN1-related disorder. Also called: FBN1-related disorders.

Submissions (7):

PreventionGenetics, part of Exact Sciences
Classification: Uncertain significance for FBN1-related condition. Last evaluated: 2026-06-16. Review status: criteria provided, single submitter. Criteria: ACMG Guidelines, 2015. Collection method: clinical testing. Allele origin: germline.
Comment: The FBN1 c.229G>A variant is predicted to result in the amino acid substitution p.Gly77Arg. This variant has been reported to segregate in 3 related individuals with Marfan syndrome (Yalcintepe et al. 2020. PubMed ID: 32939518). This variant has not been reported in a large population database (gnomad), indicating this variant is rare. At this time, the clinical significance of this variant is uncertain due to the absence of conclusive functional and genetic evidence.

GeneDx
Classification: Uncertain significance. Last evaluated: 2025-11-17. Review status: criteria provided, single submitter. Criteria: GeneDx Variant Classification Process June 2021. Collection method: clinical testing. Allele origin: germline. Affected: yes.
Comment: Not observed at significant frequency in large population cohorts (gnomAD); In silico analysis supports that this missense variant has a deleterious effect on protein structure/function; Does not affect a cysteine or calcium-binding residue within an EGF-like domain or a TGF-binding protein domain of the FBN1 gene; cysteine substitutions in the EGF-like domains represent the majority of pathogenic missense changes associated with FBN1-related disorders (PMID: 12938084); This variant is associated with the following publications: (PMID: 32939518, 12938084)

All of Us Research Program, National Institutes of Health
Classification: Uncertain significance for Marfan syndrome. Last evaluated: 2024-07-20. Review status: criteria provided, single submitter. Criteria: ACMG Guidelines, 2015. Collection method: clinical testing. Allele origin: germline. Inheritance: Autosomal dominant inheritance. Observed: 1 variant allele, 1 heterozygote.
Comment: This missense variant replaces glycine with arginine at codon 77 of the FBN1 protein. Computational prediction tools indicate that this variant has a deleterious impact on protein structure and function. To our knowledge, functional studies have not been reported for this variant. This variant has been reported in individuals affected with Marfan syndrome (PMID: 32939518; ClinVar# 200140). It has been shown that this variant segregates with disease in three affected individuals in one family (PMID: 32939518). This variant has not been identified in the general population by the Genome Aggregation Database (gnomAD). The available evidence is insufficient to determine the role of this variant in disease conclusively. Therefore, this variant is classified as a Variant of Uncertain Significance.

This study involves interpretation of variants in research participants for the purpose of population health screening. Participant phenotype was not available at the time of variant classification. Additional details can be found in publication PMID: 35346344, PMCID: PMC8962531

Labcorp Genetics (formerly Invitae), Labcorp
Classification: Likely pathogenic for Marfan syndrome; Familial thoracic aortic aneurysm and aortic dissection. Last evaluated: 2023-11-13. Review status: criteria provided, single submitter. Criteria: Invitae Variant Classification Sherloc (09022015). Collection method: clinical testing. Allele origin: germline.
Comment: This sequence change replaces glycine, which is neutral and non-polar, with arginine, which is basic and polar, at codon 77 of the FBN1 protein (p.Gly77Arg). This variant is not present in population databases (gnomAD no frequency). This missense change has been observed in individuals with Marfan syndrome (PMID: 32939518; Invitae). ClinVar contains an entry for this variant (Variation ID: 200140). Advanced modeling of protein sequence and biophysical properties (such as structural, functional, and spatial information, amino acid conservation, physicochemical variation, residue mobility, and thermodynamic stability) performed at Invitae indicates that this missense variant is expected to disrupt FBN1 protein function with a positive predictive value of 95%. In summary, the currently available evidence indicates that the variant is pathogenic, but additional data are needed to prove that conclusively. Therefore, this variant has been classified as Likely Pathogenic.

Ambry Genetics
Classification: Uncertain significance for Familial thoracic aortic aneurysm and aortic dissection. Last evaluated: 2021-12-07. Review status: criteria provided, single submitter. Criteria: Ambry Variant Classification Scheme 2023. Collection method: clinical testing. Allele origin: germline.
Comment: The p.G77R variant (also known as c.229G>A), located in coding exon 2 of the FBN1 gene, results from a G to A substitution at nucleotide position 229. The glycine at codon 77 is replaced by arginine, an amino acid with dissimilar properties. This alteration has been reported in a subject with features of Marfan syndrome (Yalcintepe S et al. Glob Med Genet, 2020 Aug;7:68-71). This amino acid position is highly conserved in available vertebrate species. In addition, this alteration is predicted to be deleterious by in silico analysis. Since supporting evidence is limited at this time, the clinical significance of this alteration remains unclear.

Fulgent Genetics
Classification: Uncertain significance for Acromicric dysplasia; Ectopia lentis 1, isolated, autosomal dominant; Marfan syndrome; Stiff skin syndrome; MASS syndrome; Weill-Marchesani syndrome 2, dominant; Geleophysic dysplasia 2; Progeroid and marfanoid aspect-lipodystrophy syndrome. Last evaluated: 2021-11-08. Review status: criteria provided, single submitter. Criteria: ACMG Guidelines, 2015. Collection method: clinical testing. Allele origin: unknown.

Genetics and Molecular Pathology, SA Pathology
Classification: Likely pathogenic for Marfan syndrome. Last evaluated: 2021-01-25. Review status: criteria provided, single submitter. Criteria: ACMG Guidelines, 2015. Collection method: clinical testing. Allele origin: germline. Affected: yes.

Literature cited by the submitters: PubMed 32939518 (cited by 3 submitters); PubMed 31227806 (cited by Ambry Genetics).